The following is an entry in ClinVar:

ClinVar aggregate classification (germline): Uncertain significance. Review status: criteria provided, multiple submitters, no conflicts (2 of 4 stars). 3 submissions from 3 submitters: Uncertain significance (3). Last evaluated 2025-12-18.

Conditions:
Inborn genetic diseases. Identifiers: MedGen C0950123, MeSH D030342.

Allele frequency attached by ClinVar (database versions not stated): TOPMed below 0.00001; ExAC 0.00001; gnomAD 0.00001; gnomAD exomes 0.00001 and 0.00002; 1000 Genomes Project 0.00020; 1000 Genomes Project 30x 0.00031.
gnomAD v4.1: 29 of 1,613,510 alleles (0.0018%); highest among the groups gnomAD compares: Admixed American, 0.0033%; no homozygotes.

Submissions (3):

Labcorp Genetics (formerly Invitae), Labcorp
Classification: Uncertain significance. Last evaluated: 2025-12-18. Review status: criteria provided, single submitter. Criteria: Invitae Variant Classification Sherloc (09022015). Collection method: clinical testing. Allele origin: germline.
Comment: This sequence change replaces glycine, which is neutral and non-polar, with serine, which is neutral and polar, at codon 1462 of the COL11A2 protein (p.Gly1462Ser). This variant is present in population databases (rs550330978, gnomAD 0.01%). This variant has not been reported in the literature in individuals affected with COL11A2-related conditions. ClinVar contains an entry for this variant (Variation ID: 1310892). Invitae Evidence Modeling of protein sequence and biophysical properties (such as structural, functional, and spatial information, amino acid conservation, physicochemical variation, residue mobility, and thermodynamic stability) indicates that this missense variant is expected to disrupt COL11A2 protein function with a positive predictive value of 95%. In summary, the available evidence is currently insufficient to determine the role of this variant in disease. Therefore, it has been classified as a Variant of Uncertain Significance.

Ambry Genetics
Classification: Uncertain significance for Inborn genetic diseases. Last evaluated: 2023-02-27. Review status: criteria provided, single submitter. Criteria: Ambry Variant Classification Scheme 2023. Collection method: clinical testing. Allele origin: germline.

GeneDx
Classification: Uncertain significance. Last evaluated: 2019-12-06. Review status: criteria provided, single submitter. Criteria: GeneDx Variant Classification Process June 2021. Collection method: clinical testing. Allele origin: germline. Affected: yes.
Comment: Has not been previously published as pathogenic or benign to our knowledge; Not observed at a significant frequency in large population cohorts (Lek et al., 2016); In silico analysis, which includes protein predictors and evolutionary conservation, supports a deleterious effect

NM_080680.3(COL11A2):c.4384G>A (p.Gly1462Ser)

Gene: COL11A2 (collagen type XI alpha 2 chain; minus strand). Cytogenetic location: 6p21.32.
Variant type: single nucleotide variant.
Coding change: c.4384G>A on transcript NM_080680.3 (MANE Select); coding-DNA position 4384, G replaced by A.
Protein change: p.Gly1462Ser; replaces glycine 1462 with serine.
Molecular consequence: missense variant.
Genome position (GRCh38, 1-based): chr6:33,166,521, C>T on the plus strand (G>A on the coding strand, the complement: COL11A2 is on the minus strand). VCF-style: chr6-33166521-C-T. GRCh37 (hg19) VCF-style: chr6-33134298-C-T.
Other names: c.4063G>A, p.Gly1355Ser (NM_080679.3); c.4126G>A, p.Gly1376Ser (NM_080681.3); short protein forms G1355S, G1376S, G1462S.
Identifiers: ClinVar variation 1310892 (VCV001310892.8), dbSNP rs550330978, ClinGen allele CA3750116.